The following is an entry in ClinVar:

ClinVar aggregate classification (germline): Uncertain significance (1 of 4 stars; one submission).

Allele frequency attached by ClinVar (database versions not stated): gnomAD 0.00001; gnomAD exomes 0.00001; TOPMed 0.00001.
gnomAD v4.1: 34 of 1,613,762 alleles (0.0021%); highest among the groups gnomAD compares: Non-Finnish European, 0.0026%; no homozygotes.

Submission:

Labcorp Genetics (formerly Invitae), Labcorp
Classification: Uncertain significance. Last evaluated: 2021-06-23. Review status: criteria provided, single submitter. Criteria: Invitae Variant Classification Sherloc (09022015). Collection method: clinical testing. Allele origin: germline.
Comment: In summary, the available evidence is currently insufficient to determine the role of this variant in disease. Therefore, it has been classified as a Variant of Uncertain Significance. Algorithms developed to predict the effect of missense changes on protein structure and function (SIFT, PolyPhen-2, Align-GVGD) all suggest that this variant is likely to be disruptive, but these predictions have not been confirmed by published functional studies and their clinical significance is uncertain. This variant has not been reported in the literature in individuals with TAB2-related conditions. This variant is not present in population databases (ExAC no frequency). This sequence change replaces arginine with serine at codon 575 of the TAB2 protein (p.Arg575Ser). The arginine residue is highly conserved and there is a moderate physicochemical difference between arginine and serine.

NM_001292034.3(TAB2):c.1725G>T (p.Arg575Ser)

Gene: TAB2 (TGF-beta activated kinase 1 (MAP3K7) binding protein 2; plus strand). Cytogenetic location: 6q25.1.
Variant type: single nucleotide variant.
Coding change: c.1725G>T on transcript NM_001292034.3 (MANE Select); coding-DNA position 1725, G replaced by T.
Protein change: p.Arg575Ser; replaces arginine 575 with serine.
Molecular consequence: missense variant.
Genome position (GRCh38, 1-based): chr6:149,397,725, G>T. VCF-style: chr6-149397725-G-T. GRCh37 (hg19) VCF-style: chr6-149718861-G-T.
Other names: c.1629G>T, p.Arg543Ser (NM_001292035.3); c.1725G>T, p.Arg575Ser (NM_001369506.1, NM_015093.6); short protein forms R543S, R575S.
Identifiers: ClinVar variation 1525079 (VCV001525079.8), dbSNP rs974097689, ClinGen allele CA149933743.
Genomic context (GRCh38, chr6:149,397,725, plus strand): 5'-GAAAAAGCTGGATAAATTAAAATCTGAGGTTAATGAAATGGAAAATAATCTAACTCGAAG[G>T]CGCCTGAAAAGATCAAATTCTATATCCCAGATACCTTCCGTAAGTCTTTATGTAACTGTT-3'
Protein context (NP_001278963.1, residues 565-585): VNEMENNLTR[Arg575Ser]RLKRSNSISQ